The following is an entry in ClinVar:

NM_024675.4(PALB2):c.926T>G (p.Ile309Arg)

Gene: PALB2 (partner and localizer of BRCA2; minus strand). Cytogenetic location: 16p12.2.
Variant type: single nucleotide variant.
Coding change: c.926T>G on transcript NM_024675.4 (MANE Select); coding-DNA position 926, T replaced by G.
Protein change: p.Ile309Arg; replaces isoleucine 309 with arginine.
Molecular consequence: missense variant.
Genome position (GRCh38, 1-based): chr16:23,635,620, A>C on the plus strand (T>G on the coding strand, the complement: PALB2 is on the minus strand). VCF-style: chr16-23635620-A-C. GRCh37 (hg19) VCF-style: chr16-23646941-A-C.
Other names: short protein forms I309R.
Identifiers: ClinVar variation 530130 (VCV000530130.19), dbSNP rs201588519, ClinGen allele CA279499141.
Genomic context (GRCh38, chr16:23,635,620, plus strand): 5'-AGAGAACATGAAATATTTGCCTCTAAATTAGAACTTGTGGGCAGTTGGCCACTTTTACTT[A>C]TAGCTTTATTTACAAGGAGGTTATCTGTAGAGACAGTCATTTTTTTGCCTTGTGCCTCCA-3'
Protein context (NP_078951.2, residues 299-319): STDNLLVNKA[Ile309Arg]SKSGQLPTSS

ClinVar aggregate classification (germline): Conflicting classifications of pathogenicity. Review status: criteria provided, conflicting classifications (1 of 4 stars). 4 submissions from 4 submitters: Uncertain significance (3); Likely benign (1). Last evaluated 2025-05-18.

Conditions:
Familial cancer of breast. Also called: BREAST CANCER, FAMILIAL; Hereditary breast cancer; hereditary breast carcinoma. Identifiers: Orphanet 227535, MedGen C0346153, MONDO:0016419, OMIM 114480. Disease mechanism: loss of function.
Hereditary cancer-predisposing syndrome. Also called: Hereditary neoplastic syndrome; Neoplastic Syndromes, Hereditary; Hereditary Cancer Syndrome; Tumor predisposition. Identifiers: Orphanet 140162, MedGen C0027672, MeSH D009386, MONDO:0015356.

Allele frequency attached by ClinVar (database versions not stated): gnomAD exomes below 0.00001.
gnomAD v4.1: 4 of 1,614,084 alleles (0.00025%); highest among the groups gnomAD compares: Non-Finnish European, 0.00034%; no homozygotes.

Submissions (4):

Labcorp Genetics (formerly Invitae), Labcorp
Classification: Uncertain significance for Familial cancer of breast. Last evaluated: 2025-05-18. Review status: criteria provided, single submitter. Criteria: Invitae Variant Classification Sherloc (09022015). Collection method: clinical testing. Allele origin: germline.
Comment: This sequence change replaces isoleucine, which is neutral and non-polar, with arginine, which is basic and polar, at codon 309 of the PALB2 protein (p.Ile309Arg). This variant is not present in population databases (gnomAD no frequency). This variant has not been reported in the literature in individuals affected with PALB2-related conditions. ClinVar contains an entry for this variant (Variation ID: 530130). Invitae Evidence Modeling of protein sequence and biophysical properties (such as structural, functional, and spatial information, amino acid conservation, physicochemical variation, residue mobility, and thermodynamic stability) indicates that this missense variant is not expected to disrupt PALB2 protein function with a negative predictive value of 80%. In summary, the available evidence is currently insufficient to determine the role of this variant in disease. Therefore, it has been classified as a Variant of Uncertain Significance.

Quest Diagnostics Nichols Institute San Juan Capistrano
Classification: Uncertain significance. Last evaluated: 2024-12-30. Review status: criteria provided, single submitter. Criteria: Quest Diagnostics criteria. Collection method: clinical testing. Allele origin: unknown.
Comment: The PALB2 c.926T>G (p.Ile309Arg) variant has not been reported in individuals with PALB2-related conditions in the published literature. It also has not been reported in large, multi-ethnic general populations (Genome Aggregation Database). Analysis of this variant using bioinformatics tools for the prediction of the effect of amino acid changes on protein structure and function yielded predictions that this variant is benign. Based on the available information, we are unable to determine the clinical significance of this variant.

Ambry Genetics
Classification: Likely benign for Hereditary cancer-predisposing syndrome. Last evaluated: 2024-03-27. Review status: criteria provided, single submitter. Criteria: Ambry Variant Classification Scheme 2023. Collection method: clinical testing. Allele origin: germline.

Color Diagnostics, LLC DBA Color Health
Classification: Uncertain significance for Hereditary cancer-predisposing syndrome. Last evaluated: 2023-12-04. Review status: criteria provided, single submitter. Criteria: ACMG Guidelines, 2015. Collection method: clinical testing. Allele origin: germline.
Comment: This missense variant replaces isoleucine with arginine at codon 309 of the PALB2 protein. Computational prediction suggests that this variant may not impact protein structure and function (internally defined REVEL score threshold <= 0.5, PMID: 27666373). To our knowledge, functional studies have not been reported for this variant. This variant has not been reported in individuals affected with PALB2-related disorders in the literature. This variant has not been identified in the general population by the Genome Aggregation Database (gnomAD). The available evidence is insufficient to determine the role of this variant in disease conclusively. Therefore, this variant is classified as a Variant of Uncertain Significance.